The following is an entry in ClinVar:

NM_000133.4(F9):c.742del (p.Val248fs)

Gene: F9 (coagulation factor IX; plus strand). Cytogenetic location: Xq27.1.
Variant type: Deletion.
Coding change: c.742del on transcript NM_000133.4 (MANE Select); coding-DNA position 742, one base deleted (G; older notation c.742delG).
Protein change: p.Val248fs; shifts the reading frame from valine 248.
Molecular consequence: frameshift variant.
Genome position (GRCh38, 1-based): chrX:139,560,759, G deleted. VCF-style (leftmost placement, unchanged base first): chrX-139560758-AG-A. GRCh37 (hg19) VCF-style: chrX-138642917-AG-A.
Other names: c.628del, p.Val210fs (NM_001313913.2); short protein forms V248fs, V210fs.
Identifiers: ClinVar variation 2922182 (VCV002922182.3), dbSNP rs2520839064, ClinGen allele CA2740090220.

ClinVar aggregate classification (germline): Pathogenic (1 of 4 stars; one submission).

Conditions:
Hereditary factor IX deficiency disease (HEMB). Also called: F9 DEFICIENCY; FACTOR IX DEFICIENCY; PLASMA THROMBOPLASTIN COMPONENT DEFICIENCY; Hemophilia B; Christmas Disease. Identifiers: Orphanet 98879, MedGen C0008533, MeSH D002836, MONDO:0010604, OMIM 306900.
Thrombophilia, X-linked, due to factor 9 defect. Identifiers: MedGen C2749016, MONDO:0010432, OMIM 300807.

Submission:

Labcorp Genetics (formerly Invitae), Labcorp
Classification: Pathogenic for Thrombophilia, X-linked, due to factor 9 defect; Hereditary factor IX deficiency disease. Last evaluated: 2024-01-13. Review status: criteria provided, single submitter. Criteria: Invitae Variant Classification Sherloc (09022015). Collection method: clinical testing. Allele origin: germline.
Comment: This sequence change creates a premature translational stop signal (p.Val248Leufs*16) in the F9 gene. It is expected to result in an absent or disrupted protein product. Loss-of-function variants in F9 are known to be pathogenic (PMID: 20301668). This variant is not present in population databases (gnomAD no frequency). This variant has not been reported in the literature in individuals affected with F9-related conditions. For these reasons, this variant has been classified as Pathogenic.

Literature cited by the submitters: PubMed 20301668.